The following is an entry in ClinVar:

ClinVar aggregate classification (germline): Uncertain significance. Review status: criteria provided, multiple submitters, no conflicts (2 of 4 stars). 2 submissions from 2 submitters: Uncertain significance (2). Last evaluated 2025-10-07.

Allele frequency attached by ClinVar (database versions not stated): gnomAD exomes below 0.00001.

Submissions (2):

Ambry Genetics
Classification: Uncertain significance. Last evaluated: 2025-10-07. Review status: criteria provided, single submitter. Criteria: Ambry Variant Classification Scheme 2023. Collection method: clinical testing. Allele origin: germline.

Labcorp Genetics (formerly Invitae), Labcorp
Classification: Uncertain significance. Last evaluated: 2025-05-27. Review status: criteria provided, single submitter. Criteria: Invitae Variant Classification Sherloc (09022015). Collection method: clinical testing. Allele origin: germline.
Comment: This sequence change replaces alanine, which is neutral and non-polar, with threonine, which is neutral and polar, at codon 159 of the MICAL1 protein (p.Ala159Thr). This variant is not present in population databases (gnomAD no frequency). This variant has not been reported in the literature in individuals affected with MICAL1-related conditions. ClinVar contains an entry for this variant (Variation ID: 2834911). An algorithm developed to predict the effect of missense changes on protein structure and function (PolyPhen-2) suggests that this variant is likely to be disruptive. In summary, the available evidence is currently insufficient to determine the role of this variant in disease. Therefore, it has been classified as a Variant of Uncertain Significance.

NM_022765.4(MICAL1):c.418G>A (p.Ala140Thr)

Gene: MICAL1 (microtubule associated monooxygenase, calponin and LIM domain containing 1; minus strand). Cytogenetic location: 6q21.
Variant type: single nucleotide variant.
Coding change: c.418G>A on transcript NM_022765.4 (MANE Select); coding-DNA position 418, G replaced by A.
Protein change: p.Ala140Thr; replaces alanine 140 with threonine.
Molecular consequence: missense variant.
Genome position (GRCh38, 1-based): chr6:109,453,686, C>T on the plus strand (G>A on the coding strand, the complement: MICAL1 is on the minus strand). VCF-style: chr6-109453686-C-T. GRCh37 (hg19) VCF-style: chr6-109774889-C-T.
Other names: c.418G>A, p.Ala140Thr (NM_001159291.2); c.475G>A, p.Ala159Thr (NM_001286613.2); c.418G>A (NM_022765.3); short protein forms A140T, A159T.
Identifiers: ClinVar variation 2834911 (VCV002834911.4), dbSNP rs1025994899, ClinGen allele CA145123048.
Genomic context (GRCh38, chr6:109,453,686, plus strand): 5'-CGTGGTGCTCACTGATGTGGTCCAGGGTGCCGGTGCAGAAGCGCCCGTAGAACTTCTTAG[C>T]ACCGAGTGCCCGCAGGTCGTGGATGGTGAAGGGCCAGAGGTGGAGCACGTTGTGGCGAGA-3'
Protein context (NP_073602.3, residues 130-150): FTIHDLRALG[Ala140Thr]KKFYGRFCTG